The following is an entry in ClinVar:

ClinVar aggregate classification (germline): Uncertain significance (1 of 4 stars; one submission).

Submission:

Labcorp Genetics (formerly Invitae), Labcorp
Classification: Uncertain significance. Last evaluated: 2025-01-30. Review status: criteria provided, single submitter. Criteria: Invitae Variant Classification Sherloc (09022015). Collection method: clinical testing. Allele origin: germline.
Comment: This sequence change replaces arginine, which is basic and polar, with lysine, which is basic and polar, at codon 405 of the SEPT9 protein (p.Arg405Lys). This variant is not present in population databases (gnomAD no frequency). This variant has not been reported in the literature in individuals affected with SEPT9-related conditions. Invitae Evidence Modeling of protein sequence and biophysical properties (such as structural, functional, and spatial information, amino acid conservation, physicochemical variation, residue mobility, and thermodynamic stability) indicates that this missense variant is not expected to disrupt SEPT9 protein function with a negative predictive value of 80%. In summary, the available evidence is currently insufficient to determine the role of this variant in disease. Therefore, it has been classified as a Variant of Uncertain Significance.

NM_001113491.2(SEPTIN9):c.1268G>A (p.Arg423Lys)

Gene: SEPTIN9 (septin 9; plus strand). Cytogenetic location: 17q25.3.
Variant type: single nucleotide variant.
Coding change: c.1268G>A on transcript NM_001113491.2 (MANE Select); coding-DNA position 1268, G replaced by A.
Protein change: p.Arg423Lys; replaces arginine 423 with lysine.
Molecular consequence: missense variant.
Genome position (GRCh38, 1-based): chr17:77,490,747, G>A. VCF-style: chr17-77490747-G-A. GRCh37 (hg19) VCF-style: chr17-75486829-G-A.
Other names: c.776G>A, p.Arg259Lys (NM_001113492.2, NM_001113494.1); c.1247G>A, p.Arg416Lys (NM_001113493.2); c.515G>A, p.Arg172Lys (NM_001113495.2, NM_001113496.2, NM_001293697.2 and 1 more transcripts); c.1211G>A, p.Arg404Lys (NM_001293695.2); c.596G>A, p.Arg199Lys (NM_001293696.2); c.1214G>A, p.Arg405Lys (NM_006640.5); short protein forms R199K, R404K, R259K, R416K, R172K, R405K, R423K.
Identifiers: ClinVar variation 4745441 (VCV004745441.1).